The following is an entry in ClinVar:

NM_005591.4(MRE11):c.259C>T (p.Arg87Trp)

Gene: MRE11 (MRE11 double strand break repair nuclease; minus strand). Cytogenetic location: 11q21.
Variant type: single nucleotide variant.
Coding change: c.259C>T on transcript NM_005591.4 (MANE Select); coding-DNA position 259, C replaced by T.
Protein change: p.Arg87Trp; replaces arginine 87 with tryptophan.
Molecular consequence: missense variant.
Genome position (GRCh38, 1-based): chr11:94,485,979, G>A on the plus strand (C>T on the coding strand, the complement: MRE11 is on the minus strand). VCF-style: chr11-94485979-G-A. GRCh37 (hg19) VCF-style: chr11-94219145-G-A.
Other names: c.259C>T, p.Arg87Trp (NM_001330347.2, NM_005590.4); short protein forms R87W.
Identifiers: ClinVar variation 185603 (VCV000185603.17), dbSNP rs758112386, ClinGen allele CA192395.

ClinVar aggregate classification (germline): Uncertain significance. Review status: criteria provided, multiple submitters, no conflicts (2 of 4 stars). 5 submissions from 5 submitters: Uncertain significance (5). Last evaluated 2025-12-03.

Conditions:
Ataxia-telangiectasia-like disorder (ATLD). Identifiers: MedGen C1858391, MONDO:0011457.
Hereditary cancer-predisposing syndrome. Also called: Hereditary neoplastic syndrome; Neoplastic Syndromes, Hereditary; Tumor predisposition; Hereditary Cancer Syndrome. Identifiers: Orphanet 140162, MedGen C0027672, MeSH D009386, MONDO:0015356.
Ataxia-telangiectasia-like disorder 1 (ATLD1). Identifiers: Orphanet 251347, MedGen C4012790, MONDO:0024557, OMIM 604391.

Allele frequency attached by ClinVar (database versions not stated): gnomAD 0.00002 and 0.00003; ExAC 0.00003; TOPMed 0.00003; gnomAD exomes 0.00004.

Submissions (5):

Labcorp Genetics (formerly Invitae), Labcorp
Classification: Uncertain significance for Ataxia-telangiectasia-like disorder. Last evaluated: 2025-12-03. Review status: criteria provided, single submitter. Criteria: Invitae Variant Classification Sherloc (09022015). Collection method: clinical testing. Allele origin: germline.
Comment: This sequence change replaces arginine, which is basic and polar, with tryptophan, which is neutral and slightly polar, at codon 87 of the MRE11 protein (p.Arg87Trp). This variant is present in population databases (rs758112386, gnomAD 0.02%). This variant has not been reported in the literature in individuals affected with MRE11-related conditions. ClinVar contains an entry for this variant (Variation ID: 185603). An algorithm developed to predict the effect of missense changes on protein structure and function (PolyPhen-2) suggests that this variant is likely to be disruptive. In summary, the available evidence is currently insufficient to determine the role of this variant in disease. Therefore, it has been classified as a Variant of Uncertain Significance.

Fulgent Genetics
Classification: Uncertain significance for Ataxia-telangiectasia-like disorder 1. Last evaluated: 2024-03-18. Review status: criteria provided, single submitter. Criteria: ACMG Guidelines, 2015. Collection method: clinical testing. Allele origin: germline.

Baylor Genetics
Classification: Uncertain significance for Ataxia-telangiectasia-like disorder 1. Last evaluated: 2023-10-20. Review status: criteria provided, single submitter. Criteria: ACMG Guidelines, 2015. Collection method: clinical testing. Allele origin: unknown.

Ambry Genetics
Classification: Uncertain significance for Hereditary cancer-predisposing syndrome. Last evaluated: 2023-03-25. Review status: criteria provided, single submitter. Criteria: Ambry Variant Classification Scheme 2023. Collection method: clinical testing. Allele origin: germline.
Comment: The p.R87W variant (also known as c.259C>T), located in coding exon 3 of the MRE11A gene, results from a C to T substitution at nucleotide position 259. The arginine at codon 87 is replaced by tryptophan, an amino acid with dissimilar properties. This amino acid position is well conserved in available vertebrate species. In addition, the in silico prediction for this alteration is inconclusive. Since supporting evidence is limited at this time, the clinical significance of this alteration remains unclear.

Athena Diagnostics
Classification: Uncertain significance. Last evaluated: 2022-08-01. Review status: criteria provided, single submitter. Criteria: Athena Diagnostics Criteria. Collection method: clinical testing. Allele origin: unknown.

Literature cited by the submitters: PubMed 24894818 (cited by Athena Diagnostics).